The following is an entry in ClinVar:

NM_001378452.1(ITPR1):c.2727G>A (p.Lys909=)

Gene: ITPR1 (inositol 1,4,5-trisphosphate receptor type 1; plus strand). Cytogenetic location: 3p26.1.
Variant type: single nucleotide variant.
Coding change: c.2727G>A on transcript NM_001378452.1 (MANE Select); coding-DNA position 2727, G replaced by A.
Protein change: p.Lys909=; no amino-acid change (lysine 909 retained).
Molecular consequence: synonymous variant.
Genome position (GRCh38, 1-based): chr3:4,675,196, G>A. VCF-style: chr3-4675196-G-A. GRCh37 (hg19) VCF-style: chr3-4716880-G-A.
Other names: c.2727G>A, p.Lys909= (NM_001099952.4); c.2682G>A, p.Lys894= (NM_001168272.2, NM_002222.7).
Identifiers: ClinVar variation 586045 (VCV000586045.39), dbSNP rs187516662, ClinGen allele CA2231485.

ClinVar aggregate classification (germline): Benign/Likely benign. Review status: criteria provided, multiple submitters, no conflicts (2 of 4 stars). 6 submissions from 6 submitters: Benign (1); Likely benign (5). Last evaluated 2025-03-30.

Conditions:
ITPR1-related disorder. Also called: ITPR1-related condition.

Allele frequency attached by ClinVar (database versions not stated): TOPMed 0.00011; gnomAD 0.00013 and 0.00015; 1000 Genomes Project 30x 0.00016; 1000 Genomes Project 0.00020; gnomAD exomes 0.00024 and 0.00027; ESP Exome Variant Server 0.00025; ExAC 0.00037.
gnomAD v4.1: 378 of 1,612,742 alleles (0.023%); highest among the groups gnomAD compares: Non-Finnish European, 0.03%; no homozygotes.

Submissions (6):

Labcorp Genetics (formerly Invitae), Labcorp
Classification: Likely benign. Last evaluated: 2025-03-30. Review status: criteria provided, single submitter. Criteria: Invitae Variant Classification Sherloc (09022015). Collection method: clinical testing. Allele origin: germline.

PreventionGenetics, part of Exact Sciences
Classification: Likely benign for ITPR1-related condition. Last evaluated: 2024-12-01. Review status: criteria provided, single submitter. Criteria: ACMG Guidelines, 2015. Collection method: clinical testing. Allele origin: germline.
Comment: This variant is classified as likely benign based on ACMG/AMP sequence variant interpretation guidelines (Richards et al. 2015 PMID: 25741868, with internal and published modifications).

Blueprint Genetics
Classification: Likely benign. Last evaluated: 2024-10-10. Review status: criteria provided, single submitter. Criteria: ACMG Guidelines, 2015. Collection method: clinical testing. Allele origin: germline.

Athena Diagnostics
Classification: Benign. Last evaluated: 2023-12-22. Review status: criteria provided, single submitter. Criteria: Athena Diagnostics Criteria. Collection method: clinical testing. Allele origin: unknown.

CeGaT Center for Human Genetics Tuebingen
Classification: Likely benign. Last evaluated: 2022-03-01. Review status: criteria provided, single submitter. Criteria: CeGaT Center For Human Genetics Tuebingen Variant Classification Criteria Version 2. Collection method: clinical testing. Allele origin: germline. Affected: yes. Observed: 1 variant allele.
Comment: ITPR1: BP4, BP7

GeneDx
Classification: Likely benign. Last evaluated: 2021-04-06. Review status: criteria provided, single submitter. Criteria: GeneDx Variant Classification Process June 2021. Collection method: clinical testing. Allele origin: germline. Affected: yes.